The following is an entry in ClinVar:

ClinVar aggregate classification (germline): Uncertain significance. Review status: criteria provided, multiple submitters, no conflicts (2 of 4 stars). 2 submissions from 2 submitters: Uncertain significance (2). Last evaluated 2025-10-30.

gnomAD v4.1: 2 of 1,525,850 alleles (0.00013%); highest among the groups gnomAD compares: Non-Finnish European, 0.00017%; no homozygotes.

Submissions (2):

Ambry Genetics
Classification: Uncertain significance. Last evaluated: 2025-10-30. Review status: criteria provided, single submitter. Criteria: Ambry Variant Classification Scheme 2023. Collection method: clinical testing. Allele origin: germline.
Comment: The p.F142S variant (also known as c.425T>C), located in coding exon 1 of the PALLD gene, results from a T to C substitution at nucleotide position 425. The phenylalanine at codon 142 is replaced by serine, an amino acid with highly dissimilar properties. This amino acid position is conserved. In addition, this alteration is predicted to be tolerated by in silico analysis. Based on the available evidence, the clinical significance of this variant remains unclear.

CeGaT Center for Human Genetics Tuebingen
Classification: Uncertain significance. Last evaluated: 2025-06-01. Review status: criteria provided, single submitter. Criteria: CeGaT Center For Human Genetics Tuebingen Variant Classification Criteria Version 2. Collection method: clinical testing. Allele origin: germline. Affected: yes. Observed: 1 variant allele.
Comment: PALLD: PM2, BP4

NM_001166108.2(PALLD):c.1965-12606T>C

Gene: PALLD (palladin, cytoskeletal associated protein; plus strand). Cytogenetic location: 4q32.3.
Variant type: single nucleotide variant.
Coding change: c.1965-12606T>C on transcript NM_001166108.2 (MANE Select); 12606 bases into the intron before coding-DNA position 1965, T replaced by C.
Molecular consequence: intron variant. On other transcripts: missense variant (1).
Genome position (GRCh38, 1-based): chr4:168,878,316, T>C. VCF-style: chr4-168878316-T-C. GRCh37 (hg19) VCF-style: chr4-169799467-T-C.
Other names: c.425T>C (NM_001166110.1); c.425T>C, p.Phe142Ser (NM_001166110.2); c.1965-12606T>C (NM_016081.4); c.819-12606T>C (NM_001166109.2); c.-157-12606T>C (NM_001367570.1, NM_001367568.1, NM_001367567.1 and 1 more transcripts); short protein forms F142S.
Identifiers: ClinVar variation 3905314 (VCV003905314.10).